The following is an entry in ClinVar:

ClinVar aggregate classification (germline): Uncertain significance (1 of 4 stars; one submission).

Submission:

Labcorp Genetics (formerly Invitae), Labcorp
Classification: Uncertain significance. Last evaluated: 2024-03-04. Review status: criteria provided, single submitter. Criteria: Invitae Variant Classification Sherloc (09022015). Collection method: clinical testing. Allele origin: germline.
Comment: This sequence change replaces alanine, which is neutral and non-polar, with serine, which is neutral and polar, at codon 790 of the APC2 protein (p.Ala790Ser). This variant is not present in population databases (gnomAD no frequency). This variant has not been reported in the literature in individuals affected with APC2-related conditions. ClinVar contains an entry for this variant (Variation ID: 2132042). An algorithm developed to predict the effect of missense changes on protein structure and function (PolyPhen-2) suggests that this variant is likely to be tolerated. In summary, the available evidence is currently insufficient to determine the role of this variant in disease. Therefore, it has been classified as a Variant of Uncertain Significance.

NM_005883.3(APC2):c.2368G>T (p.Ala790Ser)

Gene: APC2 (APC regulator of Wnt signaling pathway 2; plus strand). Cytogenetic location: 19p13.3.
Variant type: single nucleotide variant.
Coding change: c.2368G>T on transcript NM_005883.3 (MANE Select); coding-DNA position 2368, G replaced by T.
Protein change: p.Ala790Ser; replaces alanine 790 with serine.
Molecular consequence: missense variant.
Genome position (GRCh38, 1-based): chr19:1,465,669, G>T. VCF-style: chr19-1465669-G-T. GRCh37 (hg19) VCF-style: chr19-1465668-G-T.
Other names: c.2365G>T, p.Ala789Ser (NM_001351273.1); short protein forms A790S, A789S.
Identifiers: ClinVar variation 2132042 (VCV002132042.4), dbSNP rs766566087, ClinGen allele CA403026137.